The following is an entry in ClinVar:

NM_001127178.3(PIGG):c.2621G>T (p.Gly874Val)

Gene: PIGG (phosphatidylinositol glycan anchor biosynthesis class G (EMM blood group); plus strand). Cytogenetic location: 4p16.3.
Variant type: single nucleotide variant.
Coding change: c.2621G>T on transcript NM_001127178.3 (MANE Select); coding-DNA position 2621, G replaced by T.
Protein change: p.Gly874Val; replaces glycine 874 with valine.
Molecular consequence: missense variant. On other transcripts: non-coding transcript variant (10).
Genome position (GRCh38, 1-based): chr4:533,867, G>T. VCF-style: chr4-533867-G-T. GRCh37 (hg19) VCF-style: chr4-527656-G-T.
Other names: c.2354G>T, p.Gly785Val (NM_001289051.2, NM_001345986.2); c.2222G>T, p.Gly741Val (NM_001289052.2); c.2330G>T, p.Gly777Val (NM_001345987.2); c.1592G>T, p.Gly531Val (NM_001345988.2); c.1088G>T, p.Gly363Val (NM_001345990.2, NM_001345991.2); c.1523G>T, p.Gly508Val (NM_001345994.2); c.2597G>T, p.Gly866Val (NM_017733.5); short protein forms G363V, G866V, G508V, G785V, G531V, G874V, G741V, G777V.
Identifiers: ClinVar variation 949920 (VCV000949920.7), dbSNP rs1456279365, ClinGen allele CA355911051.

ClinVar aggregate classification (germline): Uncertain significance (1 of 4 stars; one submission).

Conditions:
Intellectual disability, autosomal recessive 53 (NEDHSCA). Also called: NEURODEVELOPMENTAL DISORDER WITH OR WITHOUT HYPOTONIA, SEIZURES, AND CEREBELLAR ATROPHY; GLYCOSYLPHOSPHATIDYLINOSITOL BIOSYNTHESIS DEFECT 13; Mental retardation, autosomal recessive 53. Identifiers: Orphanet 488635, MedGen C4310794, MONDO:0014832, OMIM 616917.

Allele frequency attached by ClinVar (database versions not stated): gnomAD exomes 0.00001; gnomAD 0.00002; TOPMed 0.00003.
gnomAD v4.1: 16 of 1,614,100 alleles (0.00099%); highest among the groups gnomAD compares: African/African-American, 0.004%; no homozygotes.

Submission:

Labcorp Genetics (formerly Invitae), Labcorp
Classification: Uncertain significance for Intellectual disability, autosomal recessive 53. Last evaluated: 2022-01-13. Review status: criteria provided, single submitter. Criteria: Invitae Variant Classification Sherloc (09022015). Collection method: clinical testing. Allele origin: germline.
Comment: This sequence change replaces glycine, which is neutral and non-polar, with valine, which is neutral and non-polar, at codon 874 of the PIGG protein (p.Gly874Val). This variant is not present in population databases (gnomAD no frequency). This variant has not been reported in the literature in individuals affected with PIGG-related conditions. ClinVar contains an entry for this variant (Variation ID: 949920). Algorithms developed to predict the effect of missense changes on protein structure and function are either unavailable or do not agree on the potential impact of this missense change (SIFT: "Tolerated"; PolyPhen-2: "Probably Damaging"; Align-GVGD: "Class C0"). In summary, the available evidence is currently insufficient to determine the role of this variant in disease. Therefore, it has been classified as a Variant of Uncertain Significance.